The following is an entry in ClinVar:

ClinVar aggregate classification (germline): Likely benign. Review status: criteria provided, multiple submitters, no conflicts (2 of 4 stars). 2 submissions from 2 submitters: Likely benign (2). Last evaluated 2026-07-01.

Conditions:
Kabuki syndrome. Also called: NIIKAWA-KUROKI SYNDROME; Kabuki make-up syndrome. Identifiers: Orphanet 2322, MedGen C0796004, MONDO:0016512.

Allele frequency attached by ClinVar (database versions not stated): TOPMed below 0.00001; gnomAD 0.00001; ExAC 0.00002; gnomAD exomes 0.00002.
gnomAD v4.1: 38 of 1,611,894 alleles (0.0024%); highest among the groups gnomAD compares: Middle Eastern, 0.049%; no homozygotes.

Submissions (2):

CeGaT Center for Human Genetics Tuebingen
Classification: Likely benign. Last evaluated: 2026-07-01. Review status: criteria provided, single submitter. Criteria: CeGaT Center For Human Genetics Tuebingen Variant Classification Criteria Version 2. Collection method: clinical testing. Allele origin: germline. Affected: yes. Observed: 1 variant allele.
Comment: KMT2D: BP4, BP7

Labcorp Genetics (formerly Invitae), Labcorp
Classification: Likely benign for Kabuki syndrome. Last evaluated: 2024-07-22. Review status: criteria provided, single submitter. Criteria: Invitae Variant Classification Sherloc (09022015). Collection method: clinical testing. Allele origin: germline.

NM_003482.4(KMT2D):c.15639G>A (p.Thr5213=)

Gene: KMT2D (lysine methyltransferase 2D; minus strand). Cytogenetic location: 12q13.12.
Variant type: single nucleotide variant.
Coding change: c.15639G>A on transcript NM_003482.4 (MANE Select); coding-DNA position 15639, G replaced by A.
Protein change: p.Thr5213=; no amino-acid change (threonine 5213 retained).
Molecular consequence: synonymous variant.
Genome position (GRCh38, 1-based): chr12:49,026,327, C>T on the plus strand (G>A on the coding strand, the complement: KMT2D is on the minus strand). VCF-style: chr12-49026327-C-T. GRCh37 (hg19) VCF-style: chr12-49420110-C-T.
Identifiers: ClinVar variation 1545971 (VCV001545971.9), dbSNP rs764964455, ClinGen allele CA6545526.
Genomic context (GRCh38, chr12:49,026,327, plus strand): 5'-ACCAATAGAACAGCGATAGCAGCAGCGACGATTGTTGGTGCGGAGGCTCCAATAGATGCG[C>T]GTGGCCTCGTAGCCCACGGGATAGAGGGCAGTGGCACTATGAAAGTCAGCCATCTGGTGA-3'
Protein context (NP_003473.3, residues 5203-5223): TALYPVGYEA[Thr5213=]RIYWSLRTNN